The following is an entry in ClinVar:

ClinVar aggregate classification (germline): Uncertain significance (1 of 4 stars; one submission).

Conditions:
Microcephaly, normal intelligence and immunodeficiency (NBS). Also called: BERLIN BREAKAGE SYNDROME; Immunodeficiency, microcephaly with normal intelligence; SEEMANOVA SYNDROME II; Nijmegen breakage syndrome; Microcephaly with normal intelligence immunodeficiency and lymphoreticular malignancies; Nonsyndromal microcephaly autosomal recessive with normal intelligence. Identifiers: Orphanet 647, MedGen C0398791, MONDO:0009623, OMIM 251260.

Submission:

Labcorp Genetics (formerly Invitae), Labcorp
Classification: Uncertain significance for Microcephaly, normal intelligence and immunodeficiency. Last evaluated: 2020-07-07. Review status: criteria provided, single submitter. Criteria: Invitae Variant Classification Sherloc (09022015). Collection method: clinical testing. Allele origin: germline.
Comment: In summary, the available evidence is currently insufficient to determine the role of this variant in disease. Therefore, it has been classified as a Variant of Uncertain Significance. Algorithms developed to predict the effect of missense changes on protein structure and function (SIFT, PolyPhen-2, Align-GVGD) all suggest that this variant is likely to be tolerated, but these predictions have not been confirmed by published functional studies and their clinical significance is uncertain. This variant has not been reported in the literature in individuals with NBN-related conditions. This variant is not present in population databases (ExAC no frequency). This sequence change replaces valine with leucine at codon 417 of the NBN protein (p.Val417Leu). The valine residue is weakly conserved and there is a small physicochemical difference between valine and leucine.

NM_002485.5(NBN):c.1249G>C (p.Val417Leu)

Gene: NBN (nibrin; minus strand). Cytogenetic location: 8q21.3.
Variant type: single nucleotide variant.
Coding change: c.1249G>C on transcript NM_002485.5 (MANE Select); coding-DNA position 1249, G replaced by C.
Protein change: p.Val417Leu; replaces valine 417 with leucine.
Molecular consequence: missense variant.
Genome position (GRCh38, 1-based): chr8:89,955,431, C>G on the plus strand (G>C on the coding strand, the complement: NBN is on the minus strand). VCF-style: chr8-89955431-C-G. GRCh37 (hg19) VCF-style: chr8-90967659-C-G.
Other names: c.1003G>C, p.Val335Leu (NM_001024688.3); short protein forms V335L, V417L.
Identifiers: ClinVar variation 1003054 (VCV001003054.8), dbSNP rs768087330, ClinGen allele CA371656269.
Genomic context (GRCh38, chr8:89,955,431, plus strand): 5'-GCAATTTAGTTGGTGAAAGCTGATAGTTTGGGATTCTCATCTTAGCCAAAGTATTTGATA[C>G]CATACTATTATTATTAGAGCTTGTTTTGCAGGACTCCTTTACAGTGGGTGCATCTTGTGA-3'
Protein context (NP_002476.2, residues 407-427): CKTSSNNNSM[Val417Leu]SNTLAKMRIP